The following is an entry in ClinVar:

ClinVar aggregate classification (germline): Uncertain significance (1 of 4 stars; one submission).

Conditions:
Renal cell carcinoma. Identifiers: Orphanet 217071, MedGen C0007134, MeSH D002292, MONDO:0005086, HP:0005584.

Submission:

Labcorp Genetics (formerly Invitae), Labcorp
Classification: Uncertain significance for Renal cell carcinoma. Last evaluated: 2025-04-27. Review status: criteria provided, single submitter. Criteria: Invitae Variant Classification Sherloc (09022015). Collection method: clinical testing. Allele origin: germline.
Comment: This sequence change replaces glycine, which is neutral and non-polar, with cysteine, which is neutral and slightly polar, at codon 671 of the MET protein (p.Gly671Cys). This variant is not present in population databases (gnomAD no frequency). This variant has not been reported in the literature in individuals affected with MET-related conditions. Invitae Evidence Modeling of protein sequence and biophysical properties (such as structural, functional, and spatial information, amino acid conservation, physicochemical variation, residue mobility, and thermodynamic stability) indicates that this missense variant is expected to disrupt MET protein function with a positive predictive value of 80%. In summary, the available evidence is currently insufficient to determine the role of this variant in disease. Therefore, it has been classified as a Variant of Uncertain Significance.

NM_000245.4(MET):c.2011G>T (p.Gly671Cys)

Gene: MET (MET proto-oncogene, receptor tyrosine kinase; plus strand). Cytogenetic location: 7q31.2.
Variant type: single nucleotide variant.
Coding change: c.2011G>T on transcript NM_000245.4 (MANE Select); coding-DNA position 2011, G replaced by T.
Protein change: p.Gly671Cys; replaces glycine 671 with cysteine.
Molecular consequence: missense variant.
Genome position (GRCh38, 1-based): chr7:116,757,683, G>T. VCF-style: chr7-116757683-G-T. GRCh37 (hg19) VCF-style: chr7-116397737-G-T.
Other names: c.2011G>T, p.Gly671Cys (NM_001127500.3, NM_001324401.3); c.721G>T, p.Gly241Cys (NM_001324402.2); short protein forms G671C, G241C.
Identifiers: ClinVar variation 4697506 (VCV004697506.1).